The following is an entry in ClinVar:

NM_007078.3(LDB3):c.321+104G>A

Gene: LDB3 (LIM domain binding 3; plus strand). Cytogenetic location: 10q23.2.
Variant type: single nucleotide variant.
Coding change: c.321+104G>A on transcript NM_007078.3 (MANE Select); 104 bases into the intron after coding-DNA position 321, G replaced by A.
Molecular consequence: intron variant.
Genome position (GRCh38, 1-based): chr10:86,680,261, G>A. VCF-style: chr10-86680261-G-A. GRCh37 (hg19) VCF-style: chr10-88440018-G-A.
Other names: c.321+104G>A (NM_001368064.1, NM_001368063.1, NM_001368068.1 and 8 more transcripts).
Identifiers: ClinVar variation 674582 (VCV000674582.2), dbSNP rs45598635, ClinGen allele CA15629145.

ClinVar aggregate classification (germline): Benign. Review status: criteria provided, multiple submitters, no conflicts (2 of 4 stars). 2 submissions from 2 submitters: Benign (2). Last evaluated 2018-06-14.

Allele frequency attached by ClinVar (database versions not stated): gnomAD exomes 0.04667; gnomAD 0.05701 and 0.05799; TOPMed 0.06470; 1000 Genomes Project 0.07268; 1000 Genomes Project 30x 0.07433.
gnomAD v4.1: 49,916 of 1,030,926 alleles (4.8%); highest among the groups gnomAD compares: Admixed American, 16%; 1,921 homozygotes.

Submissions (2):

GeneDx
Classification: Benign. Last evaluated: 2018-06-14. Review status: criteria provided, single submitter. Criteria: GeneDx Variant Classification (06012015). Collection method: clinical testing. Allele origin: germline. Affected: yes.
Comment: This variant is considered likely benign or benign based on one or more of the following criteria: it is a conservative change, it occurs at a poorly conserved position in the protein, it is predicted to be benign by multiple in silico algorithms, and/or has population frequency not consistent with disease.

Breakthrough Genomics
Classification: Benign. Review status: criteria provided, single submitter. Criteria: ACMG Guidelines, 2015. Collection method: not provided. Allele origin: germline. Inheritance: Autosomal dominant inheritance. Affected: yes.